The following is an entry in ClinVar:

NM_022168.4(IFIH1):c.1744G>A (p.Ala582Thr)

Gene: IFIH1 (interferon induced with helicase C domain 1; minus strand). Cytogenetic location: 2q24.2.
Variant type: single nucleotide variant.
Coding change: c.1744G>A on transcript NM_022168.4 (MANE Select); coding-DNA position 1744, G replaced by A.
Protein change: p.Ala582Thr; replaces alanine 582 with threonine.
Molecular consequence: missense variant.
Genome position (GRCh38, 1-based): chr2:162,278,226, C>T on the plus strand (G>A on the coding strand, the complement: IFIH1 is on the minus strand). VCF-style: chr2-162278226-C-T. GRCh37 (hg19) VCF-style: chr2-163134736-C-T.
Other names: short protein forms A582T.
Identifiers: ClinVar variation 2503163 (VCV002503163.4), dbSNP rs369588089, ClinGen allele CA349000085.

ClinVar aggregate classification (germline): Uncertain significance. Review status: criteria provided, multiple submitters, no conflicts (2 of 4 stars). 2 submissions from 2 submitters: Uncertain significance (2). Last evaluated 2022-12-25.

Conditions:
Singleton-Merten syndrome 1 (SGMRT1). Also called: Widened medullary cavities of bone, aortic calcification, abnormal dentition, and muscular weakness; Syndrome of widened medullary cavities of the metacarpals and phalanges, aortic calcification and abnormal dentition. Identifiers: Orphanet 85191, MedGen C4225427, MONDO:0024535, OMIM 182250.
Aicardi-Goutieres syndrome 7 (AGS7). Identifiers: Orphanet 51, MedGen C3888244, MONDO:0014367, OMIM 615846.

Submissions (2):

Labcorp Genetics (formerly Invitae), Labcorp
Classification: Uncertain significance for Aicardi-Goutieres syndrome 7; Singleton-Merten syndrome 1. Last evaluated: 2022-12-25. Review status: criteria provided, single submitter. Criteria: Invitae Variant Classification Sherloc (09022015). Collection method: clinical testing. Allele origin: germline.
Comment: In summary, the available evidence is currently insufficient to determine the role of this variant in disease. Therefore, it has been classified as a Variant of Uncertain Significance. Algorithms developed to predict the effect of missense changes on protein structure and function output the following: SIFT: "Tolerated"; PolyPhen-2: "Benign"; Align-GVGD: "Class C0". The threonine amino acid residue is found in multiple mammalian species, which suggests that this missense change does not adversely affect protein function. This variant has not been reported in the literature in individuals affected with IFIH1-related conditions. This variant is not present in population databases (gnomAD no frequency). This sequence change replaces alanine, which is neutral and non-polar, with threonine, which is neutral and polar, at codon 582 of the IFIH1 protein (p.Ala582Thr).

GeneDx
Classification: Uncertain significance. Last evaluated: 2022-11-29. Review status: criteria provided, single submitter. Criteria: GeneDx Variant Classification Process June 2021. Collection method: clinical testing. Allele origin: germline. Affected: yes.
Comment: Not observed at significant frequency in large population cohorts (gnomAD); In silico analysis supports that this missense variant does not alter protein structure/function; Has not been previously published as pathogenic or benign to our knowledge